The following is an entry in ClinVar:

ClinVar aggregate classification (germline): Uncertain significance (1 of 4 stars; one submission).

Allele frequency attached by ClinVar (database versions not stated): gnomAD exomes below 0.00001 and 0.00001; ExAC 0.00001; gnomAD 0.00005; TOPMed 0.00006; ESP Exome Variant Server 0.00008.
gnomAD v4.1: 11 of 1,614,132 alleles (0.00068%); highest among the groups gnomAD compares: African/African-American, 0.015%; no homozygotes.

Submission:

Labcorp Genetics (formerly Invitae), Labcorp
Classification: Uncertain significance. Last evaluated: 2023-05-16. Review status: criteria provided, single submitter. Criteria: Invitae Variant Classification Sherloc (09022015). Collection method: clinical testing. Allele origin: germline.
Comment: This sequence change replaces serine, which is neutral and polar, with asparagine, which is neutral and polar, at codon 717 of the KCNQ5 protein (p.Ser717Asn). This variant is present in population databases (rs146237131, gnomAD 0.01%). This variant has not been reported in the literature in individuals affected with KCNQ5-related conditions. ClinVar contains an entry for this variant (Variation ID: 1437299). Advanced modeling of protein sequence and biophysical properties (such as structural, functional, and spatial information, amino acid conservation, physicochemical variation, residue mobility, and thermodynamic stability) performed at Invitae indicates that this missense variant is not expected to disrupt KCNQ5 protein function. In summary, the available evidence is currently insufficient to determine the role of this variant in disease. Therefore, it has been classified as a Variant of Uncertain Significance.

NM_019842.4(KCNQ5):c.2093G>A (p.Ser698Asn)

Gene: KCNQ5 (potassium voltage-gated channel subfamily Q member 5; plus strand). Cytogenetic location: 6q13.
Variant type: single nucleotide variant.
Coding change: c.2093G>A on transcript NM_019842.4 (MANE Select); coding-DNA position 2093, G replaced by A.
Protein change: p.Ser698Asn; replaces serine 698 with asparagine.
Molecular consequence: missense variant.
Genome position (GRCh38, 1-based): chr6:73,194,708, G>A. VCF-style: chr6-73194708-G-A. GRCh37 (hg19) VCF-style: chr6-73904431-G-A.
Other names: c.2066G>A, p.Ser689Asn (NM_001160130.2); c.2123G>A, p.Ser708Asn (NM_001160132.2); c.2150G>A, p.Ser717Asn (NM_001160133.2); c.1763G>A, p.Ser588Asn (NM_001160134.2); short protein forms S588N, S717N, S689N, S698N, S708N.
Identifiers: ClinVar variation 1437299 (VCV001437299.6), dbSNP rs146237131, ClinGen allele CA3887207.